The following is an entry in ClinVar:

NM_001875.5(CPS1):c.3580G>T (p.Glu1194Ter)

Gene: CPS1 (carbamoyl-phosphate synthase 1; plus strand). Cytogenetic location: 2q34.
Variant type: single nucleotide variant.
Coding change: c.3580G>T on transcript NM_001875.5 (MANE Select); coding-DNA position 3580, G replaced by T.
Protein change: p.Glu1194Ter; replaces glutamic acid 1194 with a stop codon.
Molecular consequence: nonsense. On other transcripts: non-coding transcript variant (2).
Genome position (GRCh38, 1-based): chr2:210,656,546, G>T. VCF-style: chr2-210656546-G-T. GRCh37 (hg19) VCF-style: chr2-211521270-G-T.
Other names: c.3580G>T, p.Glu1194Ter (NM_001122633.3, NM_001369257.1); c.3613G>T, p.Glu1205Ter (NM_001369256.1); short protein forms E1194*, E1205*.
Identifiers: ClinVar variation 5014050 (VCV005014050.1).

ClinVar aggregate classification (germline): Pathogenic (1 of 4 stars; one submission).

Conditions:
Congenital hyperammonemia, type I. Also called: CPS I DEFICIENCY; Carbamoyl phosphate synthetase 1 deficiency; Hyperammonemia due to carbamoyl phosphate synthetase 1 deficiency; CPS 1 deficiency; Carbamyl phosphate synthetase (CPS) deficiency; Carbamoyl phosphate synthetase I deficiency disease. Identifiers: Orphanet 147, MedGen C4082171, MONDO:0009376, OMIM 237300.

Submission:

Myriad Genetics, Inc.
Classification: Pathogenic for Congenital hyperammonemia, type I. Last evaluated: 2025-02-01. Review status: criteria provided, single submitter. Criteria: Myriad Autosomal Dominant, Autosomal Recessive and X-Linked Classification Criteria (2023). Collection method: clinical testing. Allele origin: unknown.
Comment: NM_001875.4(CPS1):c.3580G>T(E1194*) is expected to be pathogenic in the context of carbamoylphosphate synthetase I deficiency. This variant is predicted to lead to an abnormal or absent protein product due to the creation of a premature termination codon in CPS1, a gene where loss-of-function variants are known to be pathogenic. Please note: this variant was assessed in the context of healthy population screening.